The following is an entry in ClinVar:

ClinVar aggregate classification (germline): Conflicting classifications of pathogenicity. Review status: criteria provided, conflicting classifications (1 of 4 stars). 3 submissions from 3 submitters: Uncertain significance (2); Likely benign (1). Last evaluated 2022-09-26.

Conditions:
Orthostatic hypotension 1 (ORTHYP1). Also called: Dopamine beta-hydroxylase deficiency; Orthostatic hypotension 1, due to DBH deficiency; NORADRENALINE DEFICIENCY; NOREPINEPHRINE DEFICIENCY. Identifiers: Orphanet 230, MedGen C4746777, MONDO:0009123, OMIM 223360.
Inborn genetic diseases. Identifiers: MedGen C0950123, MeSH D030342.

Allele frequency attached by ClinVar (database versions not stated): ExAC 0.00001; gnomAD 0.00001; gnomAD exomes 0.00002; TOPMed 0.00005; ESP Exome Variant Server 0.00015.
gnomAD v4.1: 86 of 1,612,804 alleles (0.0053%); highest among the groups gnomAD compares: Non-Finnish European, 0.0069%; no homozygotes.

Submissions (3):

Labcorp Genetics (formerly Invitae), Labcorp
Classification: Uncertain significance for Orthostatic hypotension 1. Last evaluated: 2022-09-26. Review status: criteria provided, single submitter. Criteria: Invitae Variant Classification Sherloc (09022015). Collection method: clinical testing. Allele origin: germline.
Comment: This sequence change replaces valine, which is neutral and non-polar, with isoleucine, which is neutral and non-polar, at codon 609 of the DBH protein (p.Val609Ile). This variant is present in population databases (rs141570582, gnomAD 0.006%). This variant has not been reported in the literature in individuals affected with DBH-related conditions. ClinVar contains an entry for this variant (Variation ID: 365675). Algorithms developed to predict the effect of missense changes on protein structure and function output the following: SIFT: "Tolerated"; PolyPhen-2: "Benign"; Align-GVGD: "Class C0". The isoleucine amino acid residue is found in multiple mammalian species, which suggests that this missense change does not adversely affect protein function. In summary, the available evidence is currently insufficient to determine the role of this variant in disease. Therefore, it has been classified as a Variant of Uncertain Significance.

Ambry Genetics
Classification: Likely benign for Inborn genetic diseases. Last evaluated: 2022-01-10. Review status: criteria provided, single submitter. Criteria: Ambry Variant Classification Scheme 2023. Collection method: clinical testing. Allele origin: germline.

Illumina Laboratory Services, Illumina
Classification: Uncertain significance for Orthostatic hypotension 1. Last evaluated: 2018-01-12. Review status: criteria provided, single submitter. Criteria: ICSL Variant Classification Criteria 13 December 2019. Collection method: clinical testing. Allele origin: germline.

NM_000787.4(DBH):c.1825G>A (p.Val609Ile)

Gene: DBH (dopamine beta-hydroxylase; plus strand). Cytogenetic location: 9q34.2.
Variant type: single nucleotide variant.
Coding change: c.1825G>A on transcript NM_000787.4 (MANE Select); coding-DNA position 1825, G replaced by A.
Protein change: p.Val609Ile; replaces valine 609 with isoleucine.
Molecular consequence: missense variant.
Genome position (GRCh38, 1-based): chr9:133,658,418, G>A. VCF-style: chr9-133658418-G-A. GRCh37 (hg19) VCF-style: chr9-136523540-G-A.
Other names: short protein forms V609I.
Identifiers: ClinVar variation 365675 (VCV000365675.8), dbSNP rs141570582, ClinGen allele CA5313725.